The following is an entry in ClinVar:

ClinVar aggregate classification (germline): Uncertain significance (1 of 4 stars; one submission).

Allele frequency attached by ClinVar (database versions not stated): gnomAD 0.00003 and 0.00004; TOPMed 0.00004.
gnomAD v4.1: 8 of 1,611,726 alleles (0.0005%); highest among the groups gnomAD compares: African/African-American, 0.0067%; no homozygotes.

Submission:

Labcorp Genetics (formerly Invitae), Labcorp
Classification: Uncertain significance. Last evaluated: 2025-01-06. Review status: criteria provided, single submitter. Criteria: Invitae Variant Classification Sherloc (09022015). Collection method: clinical testing. Allele origin: germline.
Comment: This sequence change replaces glutamic acid, which is acidic and polar, with aspartic acid, which is acidic and polar, at codon 232 of the CLUAP1 protein (p.Glu232Asp). This variant is present in population databases (no rsID available, gnomAD 0.004%). This variant has not been reported in the literature in individuals affected with CLUAP1-related conditions. ClinVar contains an entry for this variant (Variation ID: 1395301). Invitae Evidence Modeling of protein sequence and biophysical properties (such as structural, functional, and spatial information, amino acid conservation, physicochemical variation, residue mobility, and thermodynamic stability) indicates that this missense variant is not expected to disrupt CLUAP1 protein function with a negative predictive value of 80%. In summary, the available evidence is currently insufficient to determine the role of this variant in disease. Therefore, it has been classified as a Variant of Uncertain Significance.

NM_015041.3(CLUAP1):c.696G>T (p.Glu232Asp)

Gene: CLUAP1 (clusterin associated protein 1; plus strand). Cytogenetic location: 16p13.3.
Variant type: single nucleotide variant.
Coding change: c.696G>T on transcript NM_015041.3 (MANE Select); coding-DNA position 696, G replaced by T.
Protein change: p.Glu232Asp; replaces glutamic acid 232 with aspartic acid.
Molecular consequence: missense variant.
Genome position (GRCh38, 1-based): chr16:3,520,019, G>T. VCF-style: chr16-3520019-G-T. GRCh37 (hg19) VCF-style: chr16-3570019-G-T.
Other names: c.696G>T, p.Glu232Asp (NM_001330454.2); c.198G>T, p.Glu66Asp (NM_024793.3); short protein forms E232D, E66D.
Identifiers: ClinVar variation 1395301 (VCV001395301.8), dbSNP rs991365979, ClinGen allele CA276934826.